The following is an entry in ClinVar:

ClinVar aggregate classification (germline): Uncertain significance. Review status: criteria provided, multiple submitters, no conflicts (2 of 4 stars). 3 submissions from 3 submitters: Uncertain significance (3). Last evaluated 2025-12-24.

Conditions:
Inborn genetic diseases. Identifiers: MedGen C0950123, MeSH D030342.
Epidermolysis bullosa simplex 5B, with muscular dystrophy (EBS5B). Also called: Epidermolysis bullosa simplex with muscular dystrophy; EPIDERMOLYSIS BULLOSA SIMPLEX AND LIMB-GIRDLE MUSCULAR DYSTROPHY. Identifiers: Orphanet 257, MedGen C2931072, MONDO:0009181, OMIM 226670.
Epidermolysis bullosa simplex 5C, with pyloric atresia (EBS5C). Also called: Epidermolysis bullosa simplex with pyloric atresia; PLEC-Related Epidermolysis Bullosa with Pyloric Atresia; PLEC1-Related Epidermolysis Bullosa with Pyloric Atresia. Identifiers: Orphanet 158684, MedGen C2677349, MONDO:0012807, OMIM 612138.
Epidermolysis bullosa simplex, Ogna type (EBS5A). Also called: Pidermolysis bullosa simplex 5A, Ogna type; EPIDERMOLYSIS BULLOSA SIMPLEX 5A, OGNA TYPE. Identifiers: Orphanet 79401, MedGen C0432317, MONDO:0007555, OMIM 131950.
Autosomal recessive limb-girdle muscular dystrophy type 2Q (LGMDR17). Also called: MUSCULAR DYSTROPHY, LIMB-GIRDLE, AUTOSOMAL RECESSIVE 17. Identifiers: Orphanet 254361, MedGen C3150989, MONDO:0013390, OMIM 613723.
Epidermolysis bullosa simplex with nail dystrophy (EBS5D). Identifiers: MedGen C4225309, MONDO:0014661, OMIM 616487.

Allele frequency attached by ClinVar (database versions not stated): gnomAD exomes 0.00002 and 0.00004; gnomAD 0.00003; TOPMed 0.00004.
gnomAD v4.1: 64 of 1,592,758 alleles (0.004%); highest among the groups gnomAD compares: Non-Finnish European, 0.0054%; no homozygotes.

Submissions (3):

Labcorp Genetics (formerly Invitae), Labcorp
Classification: Uncertain significance for Autosomal recessive limb-girdle muscular dystrophy type 2Q; Epidermolysis bullosa simplex, Ogna type; Epidermolysis bullosa simplex with nail dystrophy; Epidermolysis bullosa simplex 5C, with pyloric atresia; Epidermolysis bullosa simplex 5B, with muscular dystrophy. Last evaluated: 2025-12-24. Review status: criteria provided, single submitter. Criteria: Invitae Variant Classification Sherloc (09022015). Collection method: clinical testing. Allele origin: germline.
Comment: This sequence change replaces serine, which is neutral and polar, with glycine, which is neutral and non-polar, at codon 3872 of the PLEC protein (p.Ser3872Gly). This variant is present in population databases (rs782125549, gnomAD 0.004%). This variant has not been reported in the literature in individuals affected with PLEC-related conditions. ClinVar contains an entry for this variant (Variation ID: 1053920). An algorithm developed to predict the effect of missense changes on protein structure and function outputs the following: PolyPhen-2: "Benign". The glycine amino acid residue is found in multiple mammalian species, which suggests that this missense change does not adversely affect protein function. In summary, the available evidence is currently insufficient to determine the role of this variant in disease. Therefore, it has been classified as a Variant of Uncertain Significance.

Women's Health and Genetics/Laboratory Corporation of America, LabCorp
Classification: Uncertain significance. Last evaluated: 2025-06-05. Review status: criteria provided, single submitter. Criteria: LabCorp Variant Classification Summary - May 2015. Collection method: clinical testing. Allele origin: germline.
Comment: Variant summary: PLEC c.11614A>G (p.Ser3872Gly) results in a non-conservative amino acid change in the encoded protein sequence. Algorithms developed to predict the effect of missense changes on protein structure and function are either unavailable or do not agree on the potential impact of this missense change. The variant allele was found at a frequency of 1.8e-05 in 221458 control chromosomes. The available data on variant occurrences in the general population are insufficient to allow any conclusion about variant significance. To our knowledge, no occurrence of c.11614A>G in individuals affected with Epidermolysis bullosa simplex 5C, with pyloric atresia and no experimental evidence demonstrating its impact on protein function have been reported. ClinVar contains an entry for this variant (Variation ID: 1053920). Based on the evidence outlined above, the variant was classified as uncertain significance.

Ambry Genetics
Classification: Uncertain significance for Inborn genetic diseases. Last evaluated: 2025-04-04. Review status: criteria provided, single submitter. Criteria: Ambry Variant Classification Scheme 2023. Collection method: clinical testing. Allele origin: germline.

NM_201384.3(PLEC):c.11533A>G (p.Ser3845Gly)

Gene: PLEC (plectin; minus strand). Cytogenetic location: 8q24.3.
Variant type: single nucleotide variant.
Coding change: c.11533A>G on transcript NM_201384.3 (MANE Select); coding-DNA position 11533, A replaced by G.
Protein change: p.Ser3845Gly; replaces serine 3845 with glycine.
Molecular consequence: missense variant.
Genome position (GRCh38, 1-based): chr8:143,918,288, T>C on the plus strand (A>G on the coding strand, the complement: PLEC is on the minus strand). VCF-style: chr8-143918288-T-C. GRCh37 (hg19) VCF-style: chr8-144992456-T-C.
Other names: c.11614A>G, p.Ser3872Gly (NM_000445.5); c.11491A>G, p.Ser3831Gly (NM_201378.4); c.11467A>G, p.Ser3823Gly (NM_201379.3); c.11944A>G, p.Ser3982Gly (NM_201380.4); c.11437A>G, p.Ser3813Gly (NM_201381.3); c.11533A>G, p.Ser3845Gly (NM_201382.4); c.11545A>G, p.Ser3849Gly (NM_201383.3); c.11614A>G (NM_000445.3); short protein forms S3813G, S3823G, S3831G, S3845G, S3849G, S3872G, S3982G.
Identifiers: ClinVar variation 1053920 (VCV001053920.11), dbSNP rs782125549, ClinGen allele CA187607458.